The following is an entry in ClinVar:

NM_000080.4(CHRNE):c.62A>G (p.Lys21Arg)

Genes: C17orf107 (chromosome 17 open reading frame 107; plus strand), CHRNE (cholinergic receptor nicotinic epsilon subunit; minus strand). Cytogenetic location: 17p13.2.
Variant type: single nucleotide variant.
Coding change: c.62A>G on transcript NM_000080.4 (MANE Select); coding-DNA position 62, A replaced by G.
Protein change: p.Lys21Arg; replaces lysine 21 with arginine.
Molecular consequence: missense variant. On other transcripts: 3 prime UTR variant (1).
Genome position (GRCh38, 1-based): chr17:4,902,748, T>C on the plus strand (A>G on the coding strand, the complement: CHRNE is on the minus strand). VCF-style: chr17-4902748-T-C. GRCh37 (hg19) VCF-style: chr17-4806043-T-C.
Other names: c.*2215T>C (NM_001145536.2); short protein forms K21R.
Identifiers: ClinVar variation 1001470 (VCV001001470.8), dbSNP rs1970033266, ClinGen allele CA397307952.

ClinVar aggregate classification (germline): Uncertain significance (1 of 4 stars; one submission).

Conditions:
Congenital myasthenic syndrome 4A. Also called: Myasthenic syndrome, congenital, 4a, slow-channel; MYASTHENIC SYNDROME, CONGENITAL, 4A, SLOW-CHANNEL, AUTOSOMAL RECESSIVE; CONGENITAL MYASTHENIC SYNDROME TYPE Ia1. Identifiers: Orphanet 590, MedGen C4225413, MONDO:0011600, OMIM 605809.

Allele frequency attached by ClinVar (database versions not stated): gnomAD exomes below 0.00001; TOPMed below 0.00001.

Submission:

Labcorp Genetics (formerly Invitae), Labcorp
Classification: Uncertain significance for Congenital myasthenic syndrome 4A. Last evaluated: 2022-07-26. Review status: criteria provided, single submitter. Criteria: Invitae Variant Classification Sherloc (09022015). Collection method: clinical testing. Allele origin: germline.
Comment: In summary, the available evidence is currently insufficient to determine the role of this variant in disease. Therefore, it has been classified as a Variant of Uncertain Significance. Advanced modeling of protein sequence and biophysical properties (such as structural, functional, and spatial information, amino acid conservation, physicochemical variation, residue mobility, and thermodynamic stability) performed at Invitae indicates that this missense variant is not expected to disrupt CHRNE protein function. ClinVar contains an entry for this variant (Variation ID: 1001470). This variant has not been reported in the literature in individuals affected with CHRNE-related conditions. This variant is not present in population databases (gnomAD no frequency). This sequence change replaces lysine, which is basic and polar, with arginine, which is basic and polar, at codon 21 of the CHRNE protein (p.Lys21Arg).